The following is an entry in ClinVar:

NM_005901.6(SMAD2):c.1104G>T (p.Trp368Cys)

Gene: SMAD2 (SMAD family member 2; minus strand). Cytogenetic location: 18q21.1.
Variant type: single nucleotide variant.
Coding change: c.1104G>T on transcript NM_005901.6 (MANE Select); coding-DNA position 1104, G replaced by T.
Protein change: p.Trp368Cys; replaces tryptophan 368 with cysteine.
Molecular consequence: missense variant.
Genome position (GRCh38, 1-based): chr18:47,845,694, C>A on the plus strand (G>T on the coding strand, the complement: SMAD2 is on the minus strand). VCF-style: chr18-47845694-C-A. GRCh37 (hg19) VCF-style: chr18-45372065-C-A.
Other names: c.1104G>T, p.Trp368Cys (NM_001003652.4); c.1014G>T, p.Trp338Cys (NM_001135937.3); short protein forms W338C, W368C.
Identifiers: ClinVar variation 3661872 (VCV003661872.2).

ClinVar aggregate classification (germline): Uncertain significance (1 of 4 stars; one submission).

gnomAD v4.1: 1 of 1,613,818 alleles (0.000062%); highest among the groups gnomAD compares: Non-Finnish European, 0.000085%; no homozygotes.

Submission:

Labcorp Genetics (formerly Invitae), Labcorp
Classification: Uncertain significance. Last evaluated: 2024-08-10. Review status: criteria provided, single submitter. Criteria: Invitae Variant Classification Sherloc (09022015). Collection method: clinical testing. Allele origin: germline.
Comment: This sequence change replaces tryptophan, which is neutral and slightly polar, with cysteine, which is neutral and slightly polar, at codon 368 of the SMAD2 protein (p.Trp368Cys). This variant is not present in population databases (gnomAD no frequency). This variant has not been reported in the literature in individuals affected with SMAD2-related conditions. Advanced modeling of protein sequence and biophysical properties (such as structural, functional, and spatial information, amino acid conservation, physicochemical variation, residue mobility, and thermodynamic stability) performed at Invitae indicates that this missense variant is expected to disrupt SMAD2 protein function with a positive predictive value of 80%. In summary, the available evidence is currently insufficient to determine the role of this variant in disease. Therefore, it has been classified as a Variant of Uncertain Significance.